The following is an entry in ClinVar:

NM_152564.5(VPS13B):c.11083del (p.Ala3695fs)

Gene: VPS13B (vacuolar protein sorting 13 homolog B; plus strand). Cytogenetic location: 8q22.2.
Variant type: Deletion.
Coding change: c.11083del on transcript NM_152564.5 (MANE Select); coding-DNA position 11083, one base deleted (G; older notation c.11083delG).
Protein change: p.Ala3695fs; shifts the reading frame from alanine 3695.
Molecular consequence: frameshift variant.
Genome position (GRCh38, 1-based): chr8:99,861,814, G deleted; the last of 2 consecutive G bases (chr8:99,861,813-99,861,814); deleting either gives the same sequence. VCF-style (leftmost placement, unchanged base first): chr8-99861812-TG-T. GRCh37 (hg19) VCF-style: chr8-100874040-TG-T.
Other names: c.11158del, p.Ala3720fs (NM_017890.5); short protein forms A3695fs, A3720fs.
Identifiers: ClinVar variation 2191999 (VCV002191999.5), dbSNP rs751118731, ClinGen allele CA4825139.
Genomic context (GRCh38, chr8:99,861,812, plus strand): 5'-AACCCCATGCTCTTGTTCCCTCAGGTACCCTCACATCCATCACCAACCTCGCCACAAGCC[TG>T]GCCCGGAACATGGACCGGCTCTCACTGGATGAGGAGCACTACAACCGGCAGGAGGAGTGG-3'

ClinVar aggregate classification (germline): Pathogenic/Likely pathogenic. Review status: criteria provided, multiple submitters, no conflicts (2 of 4 stars). 2 submissions from 2 submitters: Pathogenic (1); Likely pathogenic (1). Last evaluated 2026-01-19.

Conditions:
Cohen syndrome (COH1). Also called: Cutis verticis gyrata, retinitis pigmentosa, and sensorineural deafness; PEPPER SYNDROME. Identifiers: Orphanet 193, MedGen C0265223, MONDO:0008999, OMIM 216550.

Submissions (2):

Natera, Inc.
Classification: Likely pathogenic for Cohen syndrome. Last evaluated: 2026-01-19. Review status: criteria provided, single submitter. Criteria: Natera Variant Classification Schema (03/2026). Collection method: clinical testing. Allele origin: germline.
Comment: The c.11158delG variant in VPS13B is a frameshift variant predicted to shift the reading frame beginning at codon 3720 and leads to a stop codon 50 codons downstream. This variant is expected to result in nonsense mediated decay, truncation, or a dysfunctional protein product. This variant is rare in the general population with a frequency below the threshold expected for the associated phenotype(s). Given the available evidence, this variant is classified as Likely Pathogenic.

Labcorp Genetics (formerly Invitae), Labcorp
Classification: Pathogenic for Cohen syndrome. Last evaluated: 2022-01-02. Review status: criteria provided, single submitter. Criteria: Invitae Variant Classification Sherloc (09022015). Collection method: clinical testing. Allele origin: germline.
Comment: This sequence change creates a premature translational stop signal (p.Ala3720Profs*50) in the VPS13B gene. It is expected to result in an absent or disrupted protein product. Loss-of-function variants in VPS13B are known to be pathogenic (PMID: 15141358, 16648375, 20461111). This variant is present in population databases (rs751118731, gnomAD 0.008%). For these reasons, this variant has been classified as Pathogenic. This variant has not been reported in the literature in individuals affected with VPS13B-related conditions.

Literature cited by the submitters: PubMed 15141358 (cited by Labcorp Genetics (formerly Invitae), Labcorp); PubMed 16648375 (cited by Labcorp Genetics (formerly Invitae), Labcorp); PubMed 20461111 (cited by Labcorp Genetics (formerly Invitae), Labcorp).